The following is an entry in ClinVar:

ClinVar aggregate classification (germline): Uncertain significance (1 of 4 stars; one submission).

gnomAD v4.1: 77 of 1,614,064 alleles (0.0048%); highest among the groups gnomAD compares: East Asian, 0.17%; no homozygotes.

Submission:

Labcorp Genetics (formerly Invitae), Labcorp
Classification: Uncertain significance. Last evaluated: 2024-07-27. Review status: criteria provided, single submitter. Criteria: Invitae Variant Classification Sherloc (09022015). Collection method: clinical testing. Allele origin: germline.
Comment: This sequence change replaces glutamic acid, which is acidic and polar, with aspartic acid, which is acidic and polar, at codon 780 of the REST protein (p.Glu780Asp). This variant is present in population databases (no rsID available, gnomAD 0.006%). This variant has not been reported in the literature in individuals affected with REST-related conditions. ClinVar contains an entry for this variant (Variation ID: 956819). An algorithm developed to predict the effect of missense changes on protein structure and function (PolyPhen-2) suggests that this variant is likely to be tolerated. In summary, the available evidence is currently insufficient to determine the role of this variant in disease. Therefore, it has been classified as a Variant of Uncertain Significance.

NM_005612.5(REST):c.2340G>T (p.Glu780Asp)

Gene: REST (RE1 silencing transcription factor; plus strand). Cytogenetic location: 4q12.
Variant type: single nucleotide variant.
Coding change: c.2340G>T on transcript NM_005612.5 (MANE Select); coding-DNA position 2340, G replaced by T.
Protein change: p.Glu780Asp; replaces glutamic acid 780 with aspartic acid.
Molecular consequence: missense variant.
Genome position (GRCh38, 1-based): chr4:56,931,198, G>T. VCF-style: chr4-56931198-G-T. GRCh37 (hg19) VCF-style: chr4-57797364-G-T.
Other names: c.2340G>T, p.Glu780Asp (NM_001193508.2, NM_001363453.3); short protein forms E780D.
Identifiers: ClinVar variation 956819 (VCV000956819.9), dbSNP rs1015434923, ClinGen allele CA97637009.